The following is an entry in ClinVar:

NM_001244008.2(KIF1A):c.2413G>A (p.Ala805Thr)

Gene: KIF1A (kinesin family member 1A; minus strand). Cytogenetic location: 2q37.3.
Variant type: single nucleotide variant.
Coding change: c.2413G>A on transcript NM_001244008.2 (MANE Select); coding-DNA position 2413, G replaced by A.
Protein change: p.Ala805Thr; replaces alanine 805 with threonine.
Molecular consequence: missense variant.
Genome position (GRCh38, 1-based): chr2:240,760,696, C>T on the plus strand (G>A on the coding strand, the complement: KIF1A is on the minus strand). VCF-style: chr2-240760696-C-T. GRCh37 (hg19) VCF-style: chr2-241700113-C-T.
Other names: c.2413G>A, p.Ala805Thr (NM_001320705.2, NM_001330289.2, NM_001379638.1); c.2488G>A, p.Ala830Thr (NM_001330290.2, NM_001379631.1, NM_001379634.1 and 2 more transcripts); c.2386G>A, p.Ala796Thr (NM_001379632.1, NM_001379633.1, NM_001379636.1 and 10 more transcripts); c.2461G>A, p.Ala821Thr (NM_001379637.1, NM_001379648.1); short protein forms A796T, A821T, A805T, A830T.
Identifiers: ClinVar variation 1484820 (VCV001484820.6), dbSNP rs2125889858, ClinGen allele CA351324565.

ClinVar aggregate classification (germline): Uncertain significance (1 of 4 stars; one submission).

Conditions:
Hereditary spastic paraplegia 30. Identifiers: Orphanet 101010, MedGen C5235139, MONDO:0012476.
Neuropathy, hereditary sensory, type 2C. Also called: KIF1A-Related HSAN2 (HSAN2C); Hereditary sensory and autonomic neuropathy type IIC. Identifiers: Orphanet 970, MedGen C3280168, MONDO:0013634, OMIM 614213.
Intellectual disability, autosomal dominant 9 (NESCAVS). Also called: KIF1A-Related Neurodevelopmental Disorder; NESCAV SYNDROME. Identifiers: Orphanet 662367, MedGen C5393830, MONDO:0013656, OMIM 614255.

Submission:

Labcorp Genetics (formerly Invitae), Labcorp
Classification: Uncertain significance for Hereditary spastic paraplegia 30; Neuropathy, hereditary sensory, type 2C; Intellectual disability, autosomal dominant 9. Last evaluated: 2021-11-23. Review status: criteria provided, single submitter. Criteria: Invitae Variant Classification Sherloc (09022015). Collection method: clinical testing. Allele origin: germline.
Comment: In summary, the available evidence is currently insufficient to determine the role of this variant in disease. Therefore, it has been classified as a Variant of Uncertain Significance. Advanced modeling of protein sequence and biophysical properties (such as structural, functional, and spatial information, amino acid conservation, physicochemical variation, residue mobility, and thermodynamic stability) performed at Invitae indicates that this missense variant is expected to disrupt KIF1A protein function. This variant has not been reported in the literature in individuals affected with KIF1A-related conditions. This variant is not present in population databases (gnomAD no frequency). This sequence change replaces alanine, which is neutral and non-polar, with threonine, which is neutral and polar, at codon 796 of the KIF1A protein (p.Ala796Thr).